The following is an entry in ClinVar:

NM_152305.3(POGLUT1):c.891G>A (p.Trp297Ter)

Gene: POGLUT1 (protein O-glucosyltransferase 1; plus strand). Cytogenetic location: 3q13.33.
Variant type: single nucleotide variant.
Coding change: c.891G>A on transcript NM_152305.3 (MANE Select); coding-DNA position 891, G replaced by A.
Protein change: p.Trp297Ter; replaces tryptophan 297 with a stop codon.
Molecular consequence: nonsense. On other transcripts: non-coding transcript variant (1).
Genome position (GRCh38, 1-based): chr3:119,490,644, G>A. VCF-style: chr3-119490644-G-A. GRCh37 (hg19) VCF-style: chr3-119209491-G-A.
Other names: c.891G>A (NM_152305.2); short protein forms W297*.
Identifiers: ClinVar variation 3622742 (VCV003622742.3).

ClinVar aggregate classification (germline): Pathogenic/Likely pathogenic. Review status: criteria provided, multiple submitters, no conflicts (2 of 4 stars). 2 submissions from 2 submitters: Pathogenic (1); Likely pathogenic (1). Last evaluated 2025-04-02.

Conditions:
POGLUT1-related disorder. Also called: POGLUT1-related condition.

Submissions (2):

PreventionGenetics, part of Exact Sciences
Classification: Likely pathogenic for POGLUT1-related condition. Last evaluated: 2025-04-02. Review status: criteria provided, single submitter. Criteria: ACMG Guidelines, 2015. Collection method: clinical testing. Allele origin: germline.
Comment: The POGLUT1 c.891G>A variant is predicted to result in premature protein termination (p.Trp297*). To our knowledge, this variant has not been reported in the literature or in a large population database (gnomAD), indicating this variant is rare. Nonsense variants in POGLUT1 are expected to be pathogenic. This variant is interpreted as likely pathogenic.

Labcorp Genetics (formerly Invitae), Labcorp
Classification: Pathogenic. Last evaluated: 2024-04-25. Review status: criteria provided, single submitter. Criteria: Invitae Variant Classification Sherloc (09022015). Collection method: clinical testing. Allele origin: germline.
Comment: This sequence change creates a premature translational stop signal (p.Trp297*) in the POGLUT1 gene. It is expected to result in an absent or disrupted protein product. Loss-of-function variants in POGLUT1 are known to be pathogenic (PMID: 24387993). This variant is not present in population databases (gnomAD no frequency). This variant has not been reported in the literature in individuals affected with POGLUT1-related conditions. For these reasons, this variant has been classified as Pathogenic.

Literature cited by the submitters: PubMed 24387993 (cited by Labcorp Genetics (formerly Invitae), Labcorp).